The following is an entry in ClinVar:

NM_001145252.3(CFP):c.232C>G (p.Pro78Ala)

Gene: CFP (complement factor properdin; minus strand). Cytogenetic location: Xp11.23.
Variant type: single nucleotide variant.
Coding change: c.232C>G on transcript NM_001145252.3 (MANE Select); coding-DNA position 232, C replaced by G.
Protein change: p.Pro78Ala; replaces proline 78 with alanine.
Molecular consequence: missense variant.
Genome position (GRCh38, 1-based): chrX:47,628,273, G>C on the plus strand (C>G on the coding strand, the complement: CFP is on the minus strand). VCF-style: chrX-47628273-G-C. GRCh37 (hg19) VCF-style: chrX-47487672-G-C.
Other names: c.232C>G, p.Pro78Ala (NM_002621.2); short protein forms P78A.
Identifiers: ClinVar variation 1970701 (VCV001970701.6), dbSNP rs888859690, ClinGen allele CA329071644.

ClinVar aggregate classification (germline): Uncertain significance. Review status: criteria provided, multiple submitters, no conflicts (2 of 4 stars). 2 submissions from 2 submitters: Uncertain significance (2). Last evaluated 2025-04-09.

Conditions:
Inborn genetic diseases. Identifiers: MedGen C0950123, MeSH D030342.

gnomAD v4.1: 39 of 1,204,860 alleles (0.0032%); highest among the groups gnomAD compares: Non-Finnish European, 0.0041%; no homozygotes.

Submissions (2):

Ambry Genetics
Classification: Uncertain significance for Inborn genetic diseases. Last evaluated: 2025-04-09. Review status: criteria provided, single submitter. Criteria: Ambry Variant Classification Scheme 2023. Collection method: clinical testing. Allele origin: germline.

Labcorp Genetics (formerly Invitae), Labcorp
Classification: Uncertain significance. Last evaluated: 2024-12-23. Review status: criteria provided, single submitter. Criteria: Invitae Variant Classification Sherloc (09022015). Collection method: clinical testing. Allele origin: germline.
Comment: This sequence change replaces proline, which is neutral and non-polar, with alanine, which is neutral and non-polar, at codon 78 of the CFP protein (p.Pro78Ala). This variant is present in population databases (no rsID available, gnomAD 0.006%). This variant has not been reported in the literature in individuals affected with CFP-related conditions. ClinVar contains an entry for this variant (Variation ID: 1970701). An algorithm developed to predict the effect of missense changes on protein structure and function outputs the following: PolyPhen-2: "Benign". The alanine amino acid residue is found in multiple mammalian species, which suggests that this missense change does not adversely affect protein function. In summary, the available evidence is currently insufficient to determine the role of this variant in disease. Therefore, it has been classified as a Variant of Uncertain Significance.